The following is an entry in ClinVar:

NM_020937.4(FANCM):c.1572G>C (p.Glu524Asp)

Gene: FANCM (FA complementation group M; plus strand). Cytogenetic location: 14q21.2.
Variant type: single nucleotide variant.
Coding change: c.1572G>C on transcript NM_020937.4 (MANE Select); coding-DNA position 1572, G replaced by C.
Protein change: p.Glu524Asp; replaces glutamic acid 524 with aspartic acid.
Molecular consequence: missense variant.
Genome position (GRCh38, 1-based): chr14:45,159,271, G>C. VCF-style: chr14-45159271-G-C. GRCh37 (hg19) VCF-style: chr14-45628474-G-C.
Other names: c.1494G>C, p.Glu498Asp (NM_001308133.2); c.1572G>C, p.Glu524Asp (NM_001308134.2); short protein forms E524D, E498D.
Identifiers: ClinVar variation 3848702 (VCV003848702.1).
Genomic context (GRCh38, chr14:45,159,271, plus strand): 5'-AGTAATGACTTTTGTCGGCCATGCCTCAGGGAAAAGCACGAAGGGTTTTACCCAGAAGGA[G>C]CAACTGGAGGTAATTATTTTTGGAATTGATAAAAATAAAAATAAGATTGATTAGCTTTGC-3'
Protein context (NP_065988.1, residues 514-534): GKSTKGFTQK[Glu524Asp]QLEVVKQFRD

ClinVar aggregate classification (germline): Uncertain significance (1 of 4 stars; one submission).

Conditions:
Inborn genetic diseases. Identifiers: MedGen C0950123, MeSH D030342.

gnomAD v4.1: 2 of 1,610,644 alleles (0.00012%); highest among the groups gnomAD compares: Non-Finnish European, 0.00017%; no homozygotes.

Submission:

Ambry Genetics
Classification: Uncertain significance for Inborn genetic diseases. Last evaluated: 2025-02-05. Review status: criteria provided, single submitter. Criteria: Ambry Variant Classification Scheme 2023. Collection method: clinical testing. Allele origin: germline.
Comment: The p.E524D variant (also known as c.1572G>C), located in coding exon 9 of the FANCM gene, results from a G to C substitution at nucleotide position 1572. The glutamic acid at codon 524 is replaced by aspartic acid, an amino acid with highly similar properties. This amino acid position is conserved. In addition, this alteration is predicted to be tolerated by in silico analysis. Based on the available evidence, the clinical significance of this variant remains unclear.